The following is an entry in ClinVar:

ClinVar aggregate classification (germline): Uncertain significance (1 of 4 stars; one submission).

Submission:

GeneDx
Classification: Uncertain significance. Last evaluated: 2023-11-14. Review status: criteria provided, single submitter. Criteria: GeneDx Variant Classification Process June 2021. Collection method: clinical testing. Allele origin: germline. Affected: yes.
Comment: Not observed at significant frequency in large population cohorts (gnomAD); In silico analysis supports that this missense variant has a deleterious effect on protein structure/function; Has not been previously published as pathogenic or benign to our knowledge

NM_001042603.3(KDM5A):c.65T>C (p.Phe22Ser)

Gene: KDM5A (lysine demethylase 5A; minus strand). Cytogenetic location: 12p13.33.
Variant type: single nucleotide variant.
Coding change: c.65T>C on transcript NM_001042603.3 (MANE Select); coding-DNA position 65, T replaced by C.
Protein change: p.Phe22Ser; replaces phenylalanine 22 with serine.
Molecular consequence: missense variant.
Genome position (GRCh38, 1-based): chr12:389,027, A>G on the plus strand (T>C on the coding strand, the complement: KDM5A is on the minus strand). VCF-style: chr12-389027-A-G. GRCh37 (hg19) VCF-style: chr12-498193-A-G.
Other names: short protein forms F22S.
Identifiers: ClinVar variation 3364331 (VCV003364331.1).